The following is an entry in ClinVar:

ClinVar aggregate classification (germline): Uncertain significance (1 of 4 stars; one submission).

Submission:

Women's Health and Genetics/Laboratory Corporation of America, LabCorp
Classification: Uncertain significance. Last evaluated: 2022-11-28. Review status: criteria provided, single submitter. Criteria: LabCorp Variant Classification Summary - May 2015. Collection method: clinical testing. Allele origin: germline.
Comment: Variant summary: HERC1 c.8981_9024delins41 (p.His2994_Arg3008delinsLeuGlnSerAlaHisGluGluLysProSerArgLeuTrpAla) results in an in-frame deletion-insertion that is predicted to delete 15 amino acids from the protein and insert 14 new ones. The frequency of this variant in the general population could not be determined as the technology used for large population databases (ExAC, gnomAD, ESP, 1000G) cannot detect variants of this type. To our knowledge, no occurrence of c.8981_9024delins41 in individuals affected with Macrocephaly, Dysmorphic Facies, And Psychomotor Retardation and no experimental evidence demonstrating its impact on protein function have been reported. No clinical diagnostic laboratories have submitted clinical-significance assessments for this variant to ClinVar after 2014. Based on the evidence outlined above, the variant was classified as uncertain significance.

NM_003922.4(HERC1):c.8981_9024delinsTTCAATCAGCACATGAAGAGAAACCATCCAGGCTGTGGGCG (p.His2994_Arg3008delinsLeuGlnSerAlaHisGluGluLysProSerArgLeuTrpAla)

Gene: HERC1 (HECT and RLD domain containing E3 ubiquitin protein ligase family member 1; minus strand). Cytogenetic location: 15q22.31.
Variant type: Indel.
Coding change: c.8981_9024delinsTTCAATCAGCACATGAAGAGAAACCATCCAGGCTGTGGGCG on transcript NM_003922.4 (MANE Select); coding-DNA positions 8981 to 9024, the reference bases replaced by an inserted sequence.
Protein change: p.His2994_Arg3008delinsLeuGlnSerAlaHisGluGluLysProSerArgLeuTrpAla.
Molecular consequence: inframe indel.
Genome position (GRCh38, 1-based): chr15:63,661,899-63,661,942, 44 bases replaced. GRCh37 (hg19): chr15:63,954,098-63,954,141.
Identifiers: ClinVar variation 1804752 (VCV001804752.1), dbSNP rs2551255462, ClinGen allele CA2580089847.
Genomic context (GRCh38, chr15:63,661,899, plus strand): 5'-ACTCCCACATTCACCGCCAAACCAGCCATCCACATAGGAACCATTGCTGCGATAGCCCTG[GCGGTTTGCACTGCGCCCACAGCCTGGATGGTTTCTCTTCATGT>CGCCCACAGCCTGGATGGTTTCTCTTCATGTGCTGATTGAA]GCTGATTGAAGCTGACGACGCTGCATTCACACAGTTCACACACCACCACTTCTTCCCTGT-3'